The following is an entry in ClinVar:

ClinVar aggregate classification (germline): Uncertain significance (1 of 4 stars; one submission).

Conditions:
Mitochondrial complex I deficiency, nuclear type 5. Also called: Mitochondrial complex 1 deficiency, nuclear type 5. Identifiers: MedGen C4748754, MONDO:0032610, OMIM 618226.

Submission:

Juno Genomics, Hangzhou Juno Genomics, Inc
Classification: Uncertain significance for Mitochondrial complex I deficiency, nuclear type 5. Review status: criteria provided, single submitter. Criteria: ACMG Guidelines, 2015. Collection method: clinical testing. Allele origin: germline.
Comment: Absent from controls (or at extremely low frequency if recessive) in Genome Aggregation Database.;Multiple lines of computational evidence support a deleterious effect on the gene or gene product.

NM_005006.7(NDUFS1):c.895C>T (p.Arg299Cys)

Gene: NDUFS1 (NADH:ubiquinone oxidoreductase core subunit S1; minus strand). Cytogenetic location: 2q33.3.
Variant type: single nucleotide variant.
Coding change: c.895C>T on transcript NM_005006.7 (MANE Select); coding-DNA position 895, C replaced by T.
Protein change: p.Arg299Cys; replaces arginine 299 with cysteine.
Molecular consequence: missense variant.
Genome position (GRCh38, 1-based): chr2:206,144,110, G>A on the plus strand (C>T on the coding strand, the complement: NDUFS1 is on the minus strand). VCF-style: chr2-206144110-G-A. GRCh37 (hg19) VCF-style: chr2-207008834-G-A.
Other names: c.787C>T, p.Arg263Cys (NM_001199981.2); c.562C>T, p.Arg188Cys (NM_001199982.2); c.724C>T, p.Arg242Cys (NM_001199983.2); c.937C>T, p.Arg313Cys (NM_001199984.2); short protein forms R188C, R242C, R263C, R299C, R313C.
Identifiers: ClinVar variation 5006195 (VCV005006195.2).
Genomic context (GRCh38, chr2:206,144,110, plus strand): 5'-AAGAAGTATAGGTTAAAAGCCCTTTTTCATTTCTGACCATTGGCTCGGTAAGTCTTTGAC[G>A]TTTTAGCCCATCATAGGCAAATCTAGAAAACAGAAATTACACCATTGTGGAATCTTGCTA-3'
Protein context (NP_004997.4, residues 289-309): KTRFAYDGLK[Arg299Cys]QRLTEPMVRN